The following is an entry in ClinVar:

ClinVar aggregate classification (germline): Uncertain significance (1 of 4 stars; one submission).

Conditions:
Hypertrophic cardiomyopathy. Also called: HYPERTROPHIC MYOCARDIOPATHY. Identifiers: Orphanet 217569, MedGen C0007194, MeSH D002312, MONDO:0005045, HP:0001639.

gnomAD v4.1: 2 of 1,614,030 alleles (0.00012%); highest among the groups gnomAD compares: East Asian, 0.0045%; no homozygotes.

Submission:

All of Us Research Program, National Institutes of Health
Classification: Uncertain significance for Hypertrophic cardiomyopathy. Last evaluated: 2024-09-23. Review status: criteria provided, single submitter. Criteria: ACMG Guidelines, 2015. Collection method: clinical testing. Allele origin: germline. Inheritance: Autosomal dominant inheritance. Observed: 1 variant allele, 1 heterozygote.
Comment: This study involves interpretation of variants in research participants for the purpose of population health screening. Participant phenotype was not available at the time of variant classification. Additional details can be found in publication PMID: 35346344, PMCID: PMC8962531

NM_000256.3(MYBPC3):c.2099A>T (p.Asp700Val)

Gene: MYBPC3 (myosin binding protein C3; minus strand). Cytogenetic location: 11p11.2.
Variant type: single nucleotide variant.
Coding change: c.2099A>T on transcript NM_000256.3 (MANE Select); coding-DNA position 2099, A replaced by T.
Protein change: p.Asp700Val; replaces aspartic acid 700 with valine.
Molecular consequence: missense variant.
Genome position (GRCh38, 1-based): chr11:47,339,373, T>A on the plus strand (A>T on the coding strand, the complement: MYBPC3 is on the minus strand). VCF-style: chr11-47339373-T-A. GRCh37 (hg19) VCF-style: chr11-47360924-T-A.
Other names: short protein forms D700V.
Identifiers: ClinVar variation 3387124 (VCV003387124.1).
Genomic context (GRCh38, chr11:47,339,373, plus strand): 5'-GTCTCACTCACCTTCTTGTCAAACACCCACTCATCGCTGTCACCTGTGTCCTCTGGGGCA[T>A]CTGGGGCTGGCCTGGCTGGGGCCTTATTCCCCTGGGAACAGGGCAGGAGGGAAGTAGGGA-3'
Protein context (NP_000247.2, residues 690-710): GNKAPARPAP[Asp700Val]APEDTGDSDE